The following is an entry in ClinVar:

NM_014991.6(WDFY3):c.8428T>A (p.Phe2810Ile)

Gene: WDFY3 (WD repeat and FYVE domain containing 3; minus strand). Cytogenetic location: 4q21.23.
Variant type: single nucleotide variant.
Coding change: c.8428T>A on transcript NM_014991.6 (MANE Select); coding-DNA position 8428, T replaced by A.
Protein change: p.Phe2810Ile; replaces phenylalanine 2810 with isoleucine.
Molecular consequence: missense variant.
Genome position (GRCh38, 1-based): chr4:84,704,352, A>T on the plus strand (T>A on the coding strand, the complement: WDFY3 is on the minus strand). VCF-style: chr4-84704352-A-T. GRCh37 (hg19) VCF-style: chr4-85625505-A-T.
Other names: short protein forms F2810I.
Identifiers: ClinVar variation 1526362 (VCV001526362.2), dbSNP rs2148951787, ClinGen allele CA357539527.
Genomic context (GRCh38, chr4:84,704,352, plus strand): 5'-AAGTAGGCTTGTATAAAATAGAAAAACCCCAAATTTAAAGTTTTACCTGTAGCCTTAAGA[A>T]TATCTGTGTGAAAGGCTCCATCCTTACAAGGTATGAGGCCACAATCATTGCAGATGAATA-3'
Protein context (NP_055806.2, residues 2800-2820): LVRMEPFTQI[Phe2810Ile]LRLQGGHFDL

ClinVar aggregate classification (germline): Uncertain significance (1 of 4 stars; one submission).

Submission:

GeneDx
Classification: Uncertain significance. Last evaluated: 2021-09-27. Review status: criteria provided, single submitter. Criteria: GeneDx Variant Classification Process June 2021. Collection method: clinical testing. Allele origin: germline. Affected: yes.
Comment: Not observed at significant frequency in large population cohorts (gnomAD); In silico analysis supports that this missense variant has a deleterious effect on protein structure/function; Has not been previously published as pathogenic or benign to our knowledge